The following is an entry in ClinVar:

ClinVar aggregate classification (germline): Uncertain significance. Review status: criteria provided, multiple submitters, no conflicts (2 of 4 stars). 3 submissions from 3 submitters: Uncertain significance (3). Last evaluated 2026-03-01.

Conditions:
Inborn genetic diseases. Identifiers: MedGen C0950123, MeSH D030342.
Polycystic kidney disease, adult type (PKD1). Also called: Polycystic Kidney Disease 1, Autosomal Dominant; Polycystic kidney disease 1; Polycystic kidney disease 1, severe; Polycystic Kidney, Autosomal Dominant; POLYCYSTIC KIDNEY DISEASE 1 WITH OR WITHOUT POLYCYSTIC LIVER DISEASE; POLYCYSTIC KIDNEY DISEASE, ADULT, TYPE I. Identifiers: MedGen C3149841, MONDO:0008263, OMIM 173900.

gnomAD v4.1: 11 of 1,527,494 alleles (0.00072%); highest among the groups gnomAD compares: Non-Finnish European, 0.00097%; no homozygotes.

Submissions (3):

CeGaT Center for Human Genetics Tuebingen
Classification: Uncertain significance. Last evaluated: 2026-03-01. Review status: criteria provided, single submitter. Criteria: CeGaT Center For Human Genetics Tuebingen Variant Classification Criteria Version 2. Collection method: clinical testing. Allele origin: germline. Affected: yes. Observed: 1 variant allele.
Comment: PKD1: PM2, BP4

Ambry Genetics
Classification: Uncertain significance for Inborn genetic diseases. Last evaluated: 2025-08-31. Review status: criteria provided, single submitter. Criteria: Ambry Variant Classification Scheme 2023. Collection method: clinical testing. Allele origin: germline.

Fulgent Genetics
Classification: Uncertain significance for Polycystic kidney disease, adult type. Last evaluated: 2024-05-16. Review status: criteria provided, single submitter. Criteria: ACMG Guidelines, 2015. Collection method: clinical testing. Allele origin: germline.

NM_001009944.3(PKD1):c.1616A>T (p.Gln539Leu)

Gene: PKD1 (polycystin 1, transient receptor potential channel interacting; minus strand). Cytogenetic location: 16p13.3.
Variant type: single nucleotide variant.
Coding change: c.1616A>T on transcript NM_001009944.3 (MANE Select); coding-DNA position 1616, A replaced by T.
Protein change: p.Gln539Leu; replaces glutamine 539 with leucine.
Molecular consequence: missense variant.
Genome position (GRCh38, 1-based): chr16:2,116,635, T>A on the plus strand (A>T on the coding strand, the complement: PKD1 is on the minus strand). VCF-style: chr16-2116635-T-A. GRCh37 (hg19) VCF-style: chr16-2166636-T-A.
Other names: c.1616A>T (NM_000296.3); c.1616A>T, p.Gln539Leu (NM_000296.4); short protein forms Q539L.
Identifiers: ClinVar variation 3579737 (VCV003579737.6).